The following is an entry in ClinVar:

ClinVar aggregate classification (germline): Pathogenic. Review status: criteria provided, single submitter (1 of 4 stars). 2 submissions from 2 submitters: Pathogenic (1). 1 of the submissions does not count toward it. Last evaluated 2022-05-27.

Conditions:
CEP250-related disorder. Also called: CEP250-related condition.

Submissions (2):

Labcorp Genetics (formerly Invitae), Labcorp
Classification: Pathogenic. Last evaluated: 2022-05-27. Review status: criteria provided, single submitter. Criteria: Invitae Variant Classification Sherloc (09022015). Collection method: clinical testing. Allele origin: germline.
Comment: For these reasons, this variant has been classified as Pathogenic. This variant has not been reported in the literature in individuals affected with CEP250-related conditions. This variant is not present in population databases (gnomAD no frequency). This sequence change creates a premature translational stop signal (p.Leu1059Valfs*16) in the CEP250 gene. It is expected to result in an absent or disrupted protein product. Loss-of-function variants in CEP250 are known to be pathogenic (PMID: 24780881, 29718797).

PreventionGenetics, part of Exact Sciences
Classification: Likely pathogenic for CEP250-related condition. Last evaluated: 2024-07-24. Review status: no assertion criteria provided. Collection method: clinical testing. Allele origin: germline. Not counted in ClinVar's aggregate classification.
Comment: The CEP250 c.3175_3176delCT variant is predicted to result in a frameshift and premature protein termination (p.Leu1059Valfs*16). To our knowledge, this variant has not been reported in the literature or in a large population database, indicating this variant is rare. Frameshift variants in CEP250 are expected to be pathogenic. This variant is interpreted as likely pathogenic.

Literature cited by the submitters: PubMed 24780881 (cited by Labcorp Genetics (formerly Invitae), Labcorp); PubMed 29718797 (cited by Labcorp Genetics (formerly Invitae), Labcorp).

NM_007186.6(CEP250):c.3178_3179del (p.Ser1060fs)

Gene: CEP250 (centrosomal protein 250; plus strand). Cytogenetic location: 20q11.22.
Variant type: Microsatellite.
Coding change: c.3178_3179del on transcript NM_007186.6 (MANE Select); coding-DNA positions 3178 to 3179, 2 bases deleted (TC; older notation c.3178_3179delTC).
Protein change: p.Ser1060fs; shifts the reading frame from serine 1060.
Molecular consequence: frameshift variant.
Genome position (GRCh38, 1-based): chr20:35,496,587-35,496,588, TC deleted; deleting any 2 consecutive bases within chr20:35,496,582-35,496,588 gives the same sequence; the c. name uses the placement nearest the transcript's 3' end. VCF-style (leftmost placement, unchanged base first): chr20-35496581-ACT-A. GRCh37 (hg19) VCF-style: chr20-34084413-CTG-C.
Other names: c.1281_1282del, p.Ser428fs (NM_001318219.1); c.3175_3176delCT (NM_007186.5); short protein forms S1060fs, S428fs.
Identifiers: ClinVar variation 2043804 (VCV002043804.5), dbSNP rs2063839688, ClinGen allele CA1017197631.
Genomic context (GRCh38, chr20:35,496,581, plus strand): 5'-GGTAATTTTTCATTCCCTAAGAGAATGGCCCAGCACTCTGACCCCTCTCTTTTTAGCCTG[ACT>A]CTCTCACTGATGGAAAAGGAACAGAGACTCCTTGTTTTACAAGAAGCTGACTCTATTCGA-3'